The following is an entry in ClinVar:

NM_000116.5(TAFAZZIN):c.797T>C (p.Leu266Pro)

Gene: TAFAZZIN (tafazzin, phospholipid-lysophospholipid transacylase; plus strand). Cytogenetic location: Xq28.
Variant type: single nucleotide variant.
Coding change: c.797T>C on transcript NM_000116.5 (MANE Select); coding-DNA position 797, T replaced by C.
Protein change: p.Leu266Pro; replaces leucine 266 with proline.
Molecular consequence: missense variant. On other transcripts: non-coding transcript variant (1).
Genome position (GRCh38, 1-based): chrX:154,420,922, T>C. VCF-style: chrX-154420922-T-C. GRCh37 (hg19) VCF-style: chrX-153649261-T-C.
Other names: c.809T>C, p.Leu270Pro (NM_001303465.2); c.761T>C, p.Leu254Pro (NM_001410698.1); c.707T>C, p.Leu236Pro (NM_181311.4); c.755T>C, p.Leu252Pro (NM_181312.4); c.665T>C, p.Leu222Pro (NM_181313.4); short protein forms L222P, L236P, L252P, L254P, L266P, L270P.
Identifiers: ClinVar variation 3338754 (VCV003338754.1).

ClinVar aggregate classification (germline): Likely pathogenic (1 of 4 stars; one submission).

Submission:

GeneDx
Classification: Likely pathogenic. Last evaluated: 2023-07-18. Review status: criteria provided, single submitter. Criteria: GeneDx Variant Classification Process June 2021. Collection method: clinical testing. Allele origin: germline. Affected: yes.
Comment: In silico analysis supports that this missense variant has a deleterious effect on protein structure/function; Not observed at significant frequency in large population cohorts (gnomAD); Has not been previously published as pathogenic or benign to our knowledge